The following is an entry in ClinVar:

NC_012920.1(MT-TH):m.12181C>T

Gene: MT-TH (mitochondrially encoded tRNA histidine; plus strand).
Variant type: single nucleotide variant.
Genome position: chrM-12181-C-T.
Identifiers: ClinVar variation 690147 (VCV000690147.1), dbSNP rs1603223598, ClinGen allele CA913169612.

ClinVar aggregate classification (germline): Likely benign (1 of 4 stars; one submission).

Conditions:
MELAS syndrome (MELAS). Also called: Juvenile myopathy, encephalopathy, lactic acidosis, stroke. Identifiers: Orphanet 550, MedGen C0162671, MONDO:0010789, OMIM 540000.

Submission:

Wong Mito Lab, Molecular and Human Genetics, Baylor College of Medicine
Classification: Likely benign for MELAS syndrome. Last evaluated: 2019-07-12. Review status: criteria provided, single submitter. Criteria: Modified ACMG Guidelines (Unpublished). Collection method: clinical testing. Allele origin: germline.
Comment: The NC_012920.1:m.12181C>T variant in MT-TH gene is interpreted to be a Likely Benign variant based on the modified ACMG guidelines (unpublished). This variant meets the following evidence codes reported in the guidelines: BP4, BP6

Literature cited by the submitters: PubMed 31965079.